The following is an entry in ClinVar:

ClinVar aggregate classification (germline): Uncertain significance (1 of 4 stars; one submission).

gnomAD v4.1: 1 of 1,184,130 alleles (0.000084%); highest among the groups gnomAD compares: Non-Finnish European, 0.00011%; no homozygotes.

Submission:

GeneDx
Classification: Uncertain significance. Last evaluated: 2024-12-15. Review status: criteria provided, single submitter. Criteria: GeneDx Variant Classification Process June 2021. Collection method: clinical testing. Allele origin: germline. Affected: yes.
Comment: Not observed at significant frequency in large population cohorts (gnomAD); In silico analysis supports a deleterious effect on splicing; Has not been previously published as pathogenic or benign to our knowledge

NM_031407.7(HUWE1):c.4824+5G>A

Gene: HUWE1 (HECT, UBA and WWE domain containing E3 ubiquitin protein ligase 1; minus strand). Cytogenetic location: Xp11.22.
Variant type: single nucleotide variant.
Coding change: c.4824+5G>A on transcript NM_031407.7 (MANE Select); 5 bases into the intron after coding-DNA position 4824, G replaced by A.
Molecular consequence: intron variant.
Genome position (GRCh38, 1-based): chrX:53,586,485, C>T on the plus strand (G>A on the coding strand, the complement: HUWE1 is on the minus strand). VCF-style: chrX-53586485-C-T. GRCh37 (hg19) VCF-style: chrX-53613445-C-T.
Identifiers: ClinVar variation 3906605 (VCV003906605.1).